The following is an entry in ClinVar:

ClinVar aggregate classification (germline): Pathogenic (1 of 4 stars; one submission).

Submission:

Labcorp Genetics (formerly Invitae), Labcorp
Classification: Pathogenic. Last evaluated: 2022-03-19. Review status: criteria provided, single submitter. Criteria: Invitae Variant Classification Sherloc (09022015). Collection method: clinical testing. Allele origin: germline.
Comment: A gross deletion of the genomic region encompassing the full coding sequence of the CHD8 gene has been identified. Loss-of-function variants in CHD8 are known to be pathogenic (PMID: 24998929, 26789910). The boundaries of this event are unknown as they extend beyond the assayed region for this gene and therefore may encompass additional genes. This variant has not been reported in the literature in individuals affected with CHD8-related conditions. For these reasons, this variant has been classified as Pathogenic.

Literature cited by the submitters: PubMed 24998929; PubMed 26789910.

NC_000014.8:g.(?_21792757)_(21899802_?)del

Genes: CHD8 (chromodomain helicase DNA binding protein 8; minus strand), RPGRIP1 (RPGR interacting protein 1; plus strand), SUPT16H (SPT16 homolog, facilitates chromatin remodeling subunit; minus strand). Cytogenetic location: 14q11.2.
Variant type: Deletion.
Identifiers: ClinVar variation 2423917 (VCV002423917.3).